The following is an entry in ClinVar:

ClinVar aggregate classification (germline): Conflicting classifications of pathogenicity. Review status: criteria provided, conflicting classifications (1 of 4 stars). 4 submissions from 4 submitters: Likely pathogenic (1); Uncertain significance (3). Last evaluated 2026-01-09.

Conditions:
Inborn genetic diseases. Identifiers: MedGen C0950123, MeSH D030342.
Spinocerebellar ataxia, autosomal recessive, with axonal neuropathy 2 (SCAN2). Also called: ATAXIA-OCULOMOTOR APRAXIA 2; Ataxia-ocular apraxia-2; Ataxia with Oculomotor Apraxia; Ataxia with Oculomotor Apraxia Type 2. Identifiers: Orphanet 64753, MedGen C1853761, MONDO:0018996, OMIM 606002.
Amyotrophic lateral sclerosis type 4 (ALS4). Also called: AMYOTROPHIC LATERAL SCLEROSIS 4, JUVENILE; NEURONOPATHY, DISTAL HEREDITARY MOTOR, WITH PYRAMIDAL FEATURES. Identifiers: Orphanet 357043, MedGen C1865409, MONDO:0011223, OMIM 602433.

Allele frequency attached by ClinVar (database versions not stated): gnomAD 0.00001; gnomAD exomes 0.00001 and 0.00003; TOPMed 0.00002; ExAC 0.00004; 1000 Genomes Project 30x 0.00016; 1000 Genomes Project 0.00020.
gnomAD v4.1: 12 of 1,614,150 alleles (0.00074%); highest among the groups gnomAD compares: Admixed American, 0.015%; no homozygotes.

Submissions (4):

Ambry Genetics
Classification: Uncertain significance for Inborn genetic diseases. Last evaluated: 2026-01-09. Review status: criteria provided, single submitter. Criteria: Ambry Variant Classification Scheme 2023. Collection method: clinical testing. Allele origin: germline.
Comment: The c.7447G>A (p.G2483R) alteration is located in exon 26 (coding exon 24) of the SETX gene. This alteration results from a G to A substitution at nucleotide position 7447, causing the glycine (G) at amino acid position 2483 to be replaced by an arginine (R). Based on data from gnomAD, the A allele has an overall frequency of 0.003% (7/251482) total alleles studied. The highest observed frequency was 0.017% (6/34590) of Latino alleles. Based on insufficient or conflicting evidence, the clinical significance of this alteration remains unclear.

Mayo Clinic Laboratories, Mayo Clinic
Classification: Uncertain significance. Last evaluated: 2025-10-30. Review status: criteria provided, single submitter. Criteria: ACMG Guidelines, 2015. Collection method: clinical testing. Allele origin: germline. Observed: 1 variant allele.
Comment: BP4_moderate

Women's Health and Genetics/Laboratory Corporation of America, LabCorp
Classification: Uncertain significance. Last evaluated: 2024-12-02. Review status: criteria provided, single submitter. Criteria: LabCorp Variant Classification Summary - May 2015. Collection method: clinical testing. Allele origin: germline.
Comment: Variant summary: SETX c.7447G>A (p.Gly2483Arg) results in a non-conservative amino acid change in the encoded protein sequence. Four of five in-silico tools predict a benign effect of the variant on protein function. The variant allele was found at a frequency of 2.8e-05 in 251482 control chromosomes. The available data on variant occurrences in the general population are insufficient to allow any conclusion about variant significance. c.7447G>A has been reported in individuals affected with clinical features of autosomal recessive spinocerebellar ataxia (Internal data). To our knowledge, no experimental evidence demonstrating an impact on protein function has been reported. ClinVar contains an entry for this variant (Variation ID: 1476191). Based on the evidence outlined above, the variant was classified as uncertain significance.

Labcorp Genetics (formerly Invitae), Labcorp
Classification: Likely pathogenic for Amyotrophic lateral sclerosis type 4; Spinocerebellar ataxia, autosomal recessive, with axonal neuropathy 2. Last evaluated: 2021-09-08. Review status: criteria provided, single submitter. Criteria: Invitae Variant Classification Sherloc (09022015). Collection method: clinical testing. Allele origin: germline.
Comment: In summary, the currently available evidence indicates that the variant is pathogenic, but additional data are needed to prove that conclusively. Therefore, this variant has been classified as Likely Pathogenic. This variant is present in population databases (rs183776349, ExAC 0.04%). This sequence change replaces glycine with arginine at codon 2483 of the SETX protein (p.Gly2483Arg). The glycine residue is weakly conserved and there is a moderate physicochemical difference between glycine and arginine. This missense change has been observed in individual(s) with clinical features of autosomal recessive spinocerebellar ataxia (Invitae). In at least one individual the data is consistent with the variant being in trans (on the opposite chromosome) from a pathogenic variant. It has also been observed to segregate with disease in related individuals. Advanced modeling of protein sequence and biophysical properties (such as structural, functional, and spatial information, amino acid conservation, physicochemical variation, residue mobility, and thermodynamic stability) performed at Invitae indicates that this missense variant is not expected to disrupt SETX protein function.

NM_015046.7(SETX):c.7447G>A (p.Gly2483Arg)

Gene: SETX (senataxin; minus strand). Cytogenetic location: 9q34.13.
Variant type: single nucleotide variant.
Coding change: c.7447G>A on transcript NM_015046.7 (MANE Select); coding-DNA position 7447, G replaced by A.
Protein change: p.Gly2483Arg; replaces glycine 2483 with arginine.
Molecular consequence: missense variant.
Genome position (GRCh38, 1-based): chr9:132,264,826, C>T on the plus strand (G>A on the coding strand, the complement: SETX is on the minus strand). VCF-style: chr9-132264826-C-T. GRCh37 (hg19) VCF-style: chr9-135140213-C-T.
Other names: p.Gly2483Arg; c.7447G>A, p.Gly2483Arg (NM_001351527.2); c.7534G>A, p.Gly2512Arg (NM_001351528.2); c.7447G>A (NM_015046.5); short protein forms G2483R, G2512R.
Identifiers: ClinVar variation 1476191 (VCV001476191.7), dbSNP rs183776349, ClinGen allele CA5296384.